The following is an entry in ClinVar:

NM_152618.3(BBS12):c.261T>C (p.Thr87=)

Gene: BBS12 (Bardet-Biedl syndrome 12; plus strand). Cytogenetic location: 4q27.
Variant type: single nucleotide variant.
Coding change: c.261T>C on transcript NM_152618.3 (MANE Select); coding-DNA position 261, T replaced by C.
Protein change: p.Thr87=; no amino-acid change (threonine 87 retained).
Molecular consequence: synonymous variant.
Genome position (GRCh38, 1-based): chr4:122,742,153, T>C. VCF-style: chr4-122742153-T-C. GRCh37 (hg19) VCF-style: chr4-123663308-T-C.
Other names: c.261T>C, p.Thr87= (NM_001178007.2).
Identifiers: ClinVar variation 4992283 (VCV004992283.1).

ClinVar aggregate classification (germline): Likely benign (1 of 4 stars; one submission).

Conditions:
BBS12-related disorder. Also called: BBS12-related condition.

Submission:

PreventionGenetics, part of Exact Sciences
Classification: Likely benign for BBS12-related condition. Last evaluated: 2026-05-19. Review status: criteria provided, single submitter. Criteria: ACMG Guidelines, 2015. Collection method: clinical testing. Allele origin: germline.
Comment: This variant is classified as likely benign based on ACMG/AMP sequence variant interpretation guidelines (Richards et al. 2015 PMID: 25741868, with internal and published modifications).